The following is an entry in ClinVar:

NM_016529.6(ATP8A2):c.1814A>C (p.Asp605Ala)

Gene: ATP8A2 (ATPase phospholipid transporting 8A2). Cytogenetic location: 13q12.13.
Variant type: single nucleotide variant.
Coding change: c.1814A>C on transcript NM_016529.6 (MANE Select); coding-DNA position 1814, A replaced by C.
Protein change: p.Asp605Ala; replaces aspartic acid 605 with alanine.
Molecular consequence: missense variant.
Genome position (GRCh38, 1-based): chr13:25,578,846, A>C. VCF-style: chr13-25578846-A-C. GRCh37 (hg19) VCF-style: chr13-26152984-A-C.
Other names: c.1694A>C, p.Asp565Ala (NM_001313741.1); c.1814A>C, p.Asp605Ala (NM_001411005.1, NM_001411006.1); short protein forms D565A, D605A.
Identifiers: ClinVar variation 2076557 (VCV002076557.3), dbSNP rs1217296985, ClinGen allele CA387614970.
Genomic context (GRCh38, chr13:25,578,846, plus strand): 5'-GCCAGTCACAATGTTTCCCTATTTTATAGGATAATGTGATTTTTGAGAGACTTTCAAAAG[A>C]CTCAAAATATATGGAGGAAACATTATGCCATCTGGAATACTTTGCCACGGAAGGTAAGTG-3'
Protein context (NP_057613.4, residues 595-615): DNVIFERLSK[Asp605Ala]SKYMEETLCH

ClinVar aggregate classification (germline): Uncertain significance (1 of 4 stars; one submission).

Allele frequency attached by ClinVar (database versions not stated): gnomAD exomes below 0.00001; gnomAD 0.00001.
gnomAD v4.1: 2 of 1,609,504 alleles (0.00012%); highest among the groups gnomAD compares: African/African-American, 0.0013%; no homozygotes.

Submission:

Labcorp Genetics (formerly Invitae), Labcorp
Classification: Uncertain significance. Last evaluated: 2024-10-24. Review status: criteria provided, single submitter. Criteria: Invitae Variant Classification Sherloc (09022015). Collection method: clinical testing. Allele origin: germline.
Comment: This sequence change replaces aspartic acid, which is acidic and polar, with alanine, which is neutral and non-polar, at codon 605 of the ATP8A2 protein (p.Asp605Ala). This variant is present in population databases (no rsID available, gnomAD 0.003%). This variant has not been reported in the literature in individuals affected with ATP8A2-related conditions. ClinVar contains an entry for this variant (Variation ID: 2076557). Invitae Evidence Modeling of protein sequence and biophysical properties (such as structural, functional, and spatial information, amino acid conservation, physicochemical variation, residue mobility, and thermodynamic stability) indicates that this missense variant is not expected to disrupt ATP8A2 protein function with a negative predictive value of 80%. In summary, the available evidence is currently insufficient to determine the role of this variant in disease. Therefore, it has been classified as a Variant of Uncertain Significance.